The following is an entry in ClinVar:

NM_020919.4(ALS2):c.1250C>T (p.Ser417Leu)

Gene: ALS2 (alsin Rho guanine nucleotide exchange factor ALS2; minus strand). Cytogenetic location: 2q33.1.
Variant type: single nucleotide variant.
Coding change: c.1250C>T on transcript NM_020919.4 (MANE Select); coding-DNA position 1250, C replaced by T.
Protein change: p.Ser417Leu; replaces serine 417 with leucine.
Molecular consequence: missense variant.
Genome position (GRCh38, 1-based): chr2:201,757,623, G>A on the plus strand (C>T on the coding strand, the complement: ALS2 is on the minus strand). VCF-style: chr2-201757623-G-A. GRCh37 (hg19) VCF-style: chr2-202622346-G-A.
Other names: c.1250C>T, p.Ser417Leu (NM_001410975.1); short protein forms S417L.
Identifiers: ClinVar variation 2100752 (VCV002100752.4), dbSNP rs2469900041, ClinGen allele CA350326938.

ClinVar aggregate classification (germline): Uncertain significance (1 of 4 stars; one submission).

Conditions:
Infantile-onset ascending hereditary spastic paralysis (IAHSP). Also called: Autosomal Recessive Juvenile Amyotrophic Lateral Sclerosis; Infantile-Onset Ascending Hereditary Spastic Paralysis (IAHSP). Identifiers: Orphanet 293168, MedGen C2931441, MONDO:0011797, OMIM 607225. Disease mechanism: loss of function.

Submission:

Labcorp Genetics (formerly Invitae), Labcorp
Classification: Uncertain significance for Infantile-onset ascending hereditary spastic paralysis. Last evaluated: 2022-02-20. Review status: criteria provided, single submitter. Criteria: Invitae Variant Classification Sherloc (09022015). Collection method: clinical testing. Allele origin: germline.
Comment: This variant is not present in population databases (gnomAD no frequency). In summary, the available evidence is currently insufficient to determine the role of this variant in disease. Therefore, it has been classified as a Variant of Uncertain Significance. Algorithms developed to predict the effect of missense changes on protein structure and function (SIFT, PolyPhen-2, Align-GVGD) all suggest that this variant is likely to be tolerated. This variant has not been reported in the literature in individuals affected with ALS2-related conditions. This sequence change replaces serine, which is neutral and polar, with leucine, which is neutral and non-polar, at codon 417 of the ALS2 protein (p.Ser417Leu).